The following is an entry in ClinVar:

NM_001349253.2(SCN11A):c.3631A>G (p.Thr1211Ala)

Genes: SCN11A (sodium voltage-gated channel alpha subunit 11; minus strand), LOC126806652 (CDK7 strongly-dependent group 2 enhancer GRCh37_chr3:38912374-38913573; plus strand). Cytogenetic location: 3p22.2.
Variant type: single nucleotide variant.
Coding change: c.3631A>G on transcript NM_001349253.2 (MANE Select); coding-DNA position 3631, A replaced by G.
Protein change: p.Thr1211Ala; replaces threonine 1211 with alanine.
Molecular consequence: missense variant.
Genome position (GRCh38, 1-based): chr3:38,871,573, T>C on the plus strand (A>G on the coding strand, the complement: SCN11A is on the minus strand). VCF-style: chr3-38871573-T-C. GRCh37 (hg19) VCF-style: chr3-38913064-T-C.
Other names: c.3631A>G, p.Thr1211Ala (NM_014139.3); short protein forms T1211A.
Identifiers: ClinVar variation 657968 (VCV000657968.6), dbSNP rs1186618940, ClinGen allele CA352170709.
Genomic context (GRCh38, chr3:38,871,573, plus strand): 5'-AATTGCCACTTTCACATTGACTTTTATTTGTAATGATGGTATAATTTATAACTGAGTCTG[T>C]TCCATTAATGCATTTCCCAAATTTTCCAGAAAAGAAGTATACTCCCAGAATACAAAATAC-3'
Protein context (NP_001336182.1, residues 1201-1221): SGKFGKCING[Thr1211Ala]DSVINYTIIT

ClinVar aggregate classification (germline): Uncertain significance (1 of 4 stars; one submission).

Conditions:
Hereditary sensory and autonomic neuropathy type 7. Also called: HSAN VII; Neuropathy, hereditary sensory and autonomic, type VII. Identifiers: Orphanet 391397, MedGen C3809882, MONDO:0014244, OMIM 615548.
Familial episodic pain syndrome with predominantly lower limb involvement. Also called: Episodic pain syndrome, familial, 3. Identifiers: Orphanet 391384, Orphanet 391392, MedGen C3809899, MONDO:0014247, OMIM 615552.

Allele frequency attached by ClinVar (database versions not stated): gnomAD exomes below 0.00001 and 0.00001.
gnomAD v4.1: 5 of 1,613,302 alleles (0.00031%); highest among the groups gnomAD compares: Non-Finnish European, 0.00042%; no homozygotes.

Submission:

Labcorp Genetics (formerly Invitae), Labcorp
Classification: Uncertain significance for Familial episodic pain syndrome with predominantly lower limb involvement; Hereditary sensory and autonomic neuropathy type 7. Last evaluated: 2022-11-22. Review status: criteria provided, single submitter. Criteria: Invitae Variant Classification Sherloc (09022015). Collection method: clinical testing. Allele origin: germline.
Comment: In summary, the available evidence is currently insufficient to determine the role of this variant in disease. Therefore, it has been classified as a Variant of Uncertain Significance. Advanced modeling of protein sequence and biophysical properties (such as structural, functional, and spatial information, amino acid conservation, physicochemical variation, residue mobility, and thermodynamic stability) performed at Invitae indicates that this missense variant is not expected to disrupt SCN11A protein function. ClinVar contains an entry for this variant (Variation ID: 657968). This variant has not been reported in the literature in individuals affected with SCN11A-related conditions. This variant is present in population databases (no rsID available, gnomAD 0.0009%). This sequence change replaces threonine, which is neutral and polar, with alanine, which is neutral and non-polar, at codon 1211 of the SCN11A protein (p.Thr1211Ala).